The following is an entry in ClinVar:

NM_004431.5(EPHA2):c.1048C>A (p.Pro350Thr)

Gene: EPHA2 (EPH receptor A2; minus strand). Cytogenetic location: 1p36.13.
Variant type: single nucleotide variant.
Coding change: c.1048C>A on transcript NM_004431.5 (MANE Select); coding-DNA position 1048, C replaced by A.
Protein change: p.Pro350Thr; replaces proline 350 with threonine.
Molecular consequence: missense variant.
Genome position (GRCh38, 1-based): chr1:16,138,117, G>T on the plus strand (C>A on the coding strand, the complement: EPHA2 is on the minus strand). VCF-style: chr1-16138117-G-T. GRCh37 (hg19) VCF-style: chr1-16464612-G-T.
Other names: c.886C>A, p.Pro296Thr (NM_001329090.2); short protein forms P350T, P296T.
Identifiers: ClinVar variation 293437 (VCV000293437.13), dbSNP rs11543934, ClinGen allele CA625332.
Genomic context (GRCh38, chr1:16,138,117, plus strand): 5'-AGCACTGTTCGCAGGTGACGCTGTAGACAATGTCCTCGCGGCCCCCGCTGTCCTGAGGGG[G>T]CGTCCAGCGCAGCTCCACCTTGGCACCCATGCCCACGGCTGTGAGGTAGTGTGGGGCGGA-3'
Protein context (NP_004422.2, residues 340-360): MGAKVELRWT[Pro350Thr]PQDSGGREDI

ClinVar aggregate classification (germline): Benign. Review status: criteria provided, multiple submitters, no conflicts (2 of 4 stars). 3 submissions from 3 submitters: Benign (3). Last evaluated 2026-01-05.

Conditions:
Cataract 6 multiple types. Also called: CATARACT 6, POSTERIOR POLAR; CATARACT 6, CONGENITAL TOTAL; CATARACT, AGE-RELATED CORTICAL, 2. Identifiers: Orphanet 91492, MedGen C1861825, MONDO:0007288, OMIM 116600.

Allele frequency attached by ClinVar (database versions not stated): 1000 Genomes Project 0.00040; 1000 Genomes Project 30x 0.00062; ESP Exome Variant Server 0.00131; TOPMed 0.00170; gnomAD 0.00277 and 0.00292; gnomAD exomes 0.00314; ExAC 0.00348.
gnomAD v4.1: 4,504 of 1,609,294 alleles (0.28%); highest among the groups gnomAD compares: Non-Finnish European, 0.27%; 15 homozygotes.

Submissions (3):

Labcorp Genetics (formerly Invitae), Labcorp
Classification: Benign for Cataract 6 multiple types. Last evaluated: 2026-01-05. Review status: criteria provided, single submitter. Criteria: Invitae Variant Classification Sherloc (09022015). Collection method: clinical testing. Allele origin: germline.

Illumina Laboratory Services, Illumina
Classification: Benign for Cataract 6 multiple types. Last evaluated: 2018-01-12. Review status: criteria provided, single submitter. Criteria: ICSL Variant Classification Criteria 13 December 2019. Collection method: clinical testing. Allele origin: germline.
Comment: This variant was observed in the ICSL laboratory as part of a predisposition screen in an ostensibly healthy population. It had not been previously curated by ICSL or reported in the Human Gene Mutation Database (HGMD: prior to June 1st, 2018), and was therefore a candidate for classification through an automated scoring system. Utilizing variant allele frequency, disease prevalence and penetrance estimates, and inheritance mode, an automated score was calculated to assess if this variant is too frequent to cause the disease. Based on the score and internal cut-off values, a variant classified as benign is not then subjected to further curation. The score for this variant resulted in a classification of benign for this disease.

Breakthrough Genomics
Classification: Benign. Review status: criteria provided, single submitter. Criteria: ACMG Guidelines, 2015. Collection method: not provided. Allele origin: germline. Inheritance: Autosomal dominant inheritance. Affected: yes.